The following is an entry in ClinVar:

ClinVar aggregate classification (germline): Pathogenic. Review status: criteria provided, multiple submitters, no conflicts (2 of 4 stars). 3 submissions from 3 submitters: Pathogenic (2). 1 of the submissions does not count toward it. Last evaluated 2022-07-14.

Conditions:
Intellectual developmental disorder, autosomal dominant 6, with or without seizures. Also called: GRIN2B-related developmental delay, intellectual disability and autism spectrum disorder; Intellectual disability, autosomal dominant 6. Identifiers: Orphanet 589547, MedGen C3151411, MONDO:0013509, OMIM 613970.

Submissions (3):

GeneDx
Classification: Pathogenic. Last evaluated: 2022-07-14. Review status: criteria provided, single submitter. Criteria: GeneDx Variant Classification Process June 2021. Collection method: clinical testing. Allele origin: germline. Affected: yes.
Comment: Nonsense variant predicted to result in protein truncation or nonsense mediated decay in a gene for which loss of function is a known mechanism of disease; Not observed at significant frequency in large population cohorts (gnomAD); This variant is associated with the following publications: (PMID: 27818011, 28377535, 24605182, 31332282, 31981491, 31785789, 25363768, 28191890, 23160955)

Institute of Human Genetics, University of Leipzig Medical Center
Classification: Pathogenic for Intellectual developmental disorder, autosomal dominant 6, with or without seizures. Last evaluated: 2017-04-04. Review status: criteria provided, single submitter. Criteria: ACMG Guidelines, 2015. Collection method: clinical testing. Allele origin: de novo. Affected: yes.
Comment: This variant was identified as de novo (maternity and paternity confirmed).

OMIM
Classification: Pathogenic for INTELLECTUAL DEVELOPMENTAL DISORDER, AUTOSOMAL DOMINANT 6. Last evaluated: 2012-12-21. Review status: no assertion criteria provided. Collection method: literature only. Allele origin: germline. Not counted in ClinVar's aggregate classification.

Literature cited by the submitters: PubMed 28377535 (cited by Institute of Human Genetics, University of Leipzig Medical Center); PubMed 23160955 (cited by OMIM).

NM_000834.5(GRIN2B):c.1677G>A (p.Trp559Ter)

Gene: GRIN2B (glutamate ionotropic receptor NMDA type subunit 2B; minus strand). Cytogenetic location: 12p13.1.
Variant type: single nucleotide variant.
Coding change: c.1677G>A on transcript NM_000834.5 (MANE Select); coding-DNA position 1677, G replaced by A.
Protein change: p.Trp559Ter; replaces tryptophan 559 with a stop codon.
Molecular consequence: nonsense.
Genome position (GRCh38, 1-based): chr12:13,611,828, C>T on the plus strand (G>A on the coding strand, the complement: GRIN2B is on the minus strand). VCF-style: chr12-13611828-C-T. GRCh37 (hg19) VCF-style: chr12-13764762-C-T.
Other names: short protein forms W559*.
Identifiers: ClinVar variation 39660 (VCV000039660.6), dbSNP rs398122825, ClinGen allele CA130438.
Genomic context (GRCh38, chr12:13,611,828, plus strand): 5'-GTACTCAAAGACAAAGACAGCCACGGCTGAGACGATGAGCAGCATCACAAACATCATCAC[C>T]CATACGTCAGCGCTGAATGGCTCTGAGGAAGGGAAAAAAGCAGTGCTCAGGGTTAGAACA-3'